The following is an entry in ClinVar:

ClinVar aggregate classification (germline): Uncertain significance (1 of 4 stars; one submission).

Allele frequency attached by ClinVar (database versions not stated): gnomAD exomes below 0.00001; TOPMed 0.00001.

Submission:

Labcorp Genetics (formerly Invitae), Labcorp
Classification: Uncertain significance. Last evaluated: 2025-09-02. Review status: criteria provided, single submitter. Criteria: Invitae Variant Classification Sherloc (09022015). Collection method: clinical testing. Allele origin: germline.
Comment: This sequence change affects codon 157 of the HACD1 mRNA. It is a 'silent' change, meaning that it does not change the encoded amino acid sequence of the HACD1 protein. This variant is not present in population databases (gnomAD no frequency). This variant has not been reported in the literature in individuals affected with HACD1-related conditions. ClinVar contains an entry for this variant (Variation ID: 2010232). Algorithms developed to predict the effect of sequence changes on RNA splicing suggest that this variant may disrupt the consensus splice site. In summary, the available evidence is currently insufficient to determine the role of this variant in disease. Therefore, it has been classified as a Variant of Uncertain Significance.

NM_014241.4(HACD1):c.471C>T (p.His157=)

Gene: HACD1 (3-hydroxyacyl-CoA dehydratase 1; minus strand). Cytogenetic location: 10p12.33.
Variant type: single nucleotide variant.
Coding change: c.471C>T on transcript NM_014241.4 (MANE Select); coding-DNA position 471, C replaced by T.
Protein change: p.His157=; no amino-acid change (histidine 157 retained).
Molecular consequence: synonymous variant.
Genome position (GRCh38, 1-based): chr10:17,603,572, G>A on the plus strand (C>T on the coding strand, the complement: HACD1 is on the minus strand). VCF-style: chr10-17603572-G-A. GRCh37 (hg19) VCF-style: chr10-17645571-G-A.
Identifiers: ClinVar variation 2010232 (VCV002010232.4), dbSNP rs1487761382, ClinGen allele CA468431776.